The following is an entry in ClinVar:

NM_000059.4(BRCA2):c.4650del (p.Glu1550fs)

Gene: BRCA2 (BRCA2 DNA repair associated; plus strand). Cytogenetic location: 13q13.1.
Variant type: Deletion.
Coding change: c.4650del on transcript NM_000059.4 (MANE Select); coding-DNA position 4650, one base deleted (G; older notation c.4650delG).
Protein change: p.Glu1550fs; shifts the reading frame from glutamic acid 1550.
Molecular consequence: frameshift variant. On other transcripts: non-coding transcript variant (1), intron variant (2).
Genome position (GRCh38, 1-based): chr13:32,339,005, G deleted. VCF-style (leftmost placement, unchanged base first): chr13-32339004-AG-A. GRCh37 (hg19) VCF-style: chr13-32913141-AG-A.
Other names: c.4650del, p.Glu1550fs (NM_001406719.1, NM_001406720.1, NM_001432077.1); c.1910-5553del (NM_001406721.1); c.425-5553del (NM_001406722.1); short protein forms E1550fs.
Identifiers: ClinVar variation 4082383 (VCV004082383.1).

ClinVar aggregate classification (germline): Likely pathogenic (1 of 4 stars; one submission).

Conditions:
Hereditary breast ovarian cancer syndrome. Also called: BRCA1- and BRCA2-Associated Hereditary Breast and Ovarian Cancer; Hereditary breast and ovarian cancer; Hereditary breast and ovarian cancer syndrome (HBOC); Hereditary breast and/or ovarian cancer syndrome; Hereditary breast and ovarian cancer syndrome; Breast and ovarian cancer. Identifiers: Orphanet 145, MedGen C0677776, MeSH D061325, MONDO:0003582. Disease mechanism: loss of function.

Submission:

Genetics and Personalized Medicine Clinic, Tartu University Hospital
Classification: Likely pathogenic for Hereditary breast ovarian cancer syndrome. Last evaluated: 2023-01-01. Review status: criteria provided, single submitter. Criteria: ACMG Guidelines, 2015. Collection method: clinical testing. Allele origin: germline. Affected: no. Observed: 2 variant alleles.
Comment: This is a frameshift variant introducing a premature stop codon, likely resulting in nonsense-mediated decay. Loss-of-function is a known mechanism for BRCA2-related hereditary breast and ovarian cancer.